The following is an entry in ClinVar:

ClinVar aggregate classification (germline): Uncertain significance (1 of 4 stars; one submission).

Allele frequency attached by ClinVar (database versions not stated): TOPMed below 0.00001.

Submission:

Ambry Genetics
Classification: Uncertain significance. Last evaluated: 2025-07-13. Review status: criteria provided, single submitter. Criteria: Ambry Variant Classification Scheme 2023. Collection method: clinical testing. Allele origin: germline.
Comment: The p.R78W variant (also known as c.232C>T), located in coding exon 1 of the GALNT12 gene, results from a C to T substitution at nucleotide position 232. The arginine at codon 78 is replaced by tryptophan, an amino acid with dissimilar properties. This amino acid position is conserved. In addition, this alteration is predicted to be tolerated by in silico analysis. Since supporting evidence is limited at this time, the clinical significance of this alteration remains unclear.

NM_024642.5(GALNT12):c.232C>T (p.Arg78Trp)

Gene: GALNT12 (polypeptide N-acetylgalactosaminyltransferase 12; plus strand). Cytogenetic location: 9q22.33.
Variant type: single nucleotide variant.
Coding change: c.232C>T on transcript NM_024642.5 (MANE Select); coding-DNA position 232, C replaced by T.
Protein change: p.Arg78Trp; replaces arginine 78 with tryptophan.
Molecular consequence: missense variant.
Genome position (GRCh38, 1-based): chr9:98,807,930, C>T. VCF-style: chr9-98807930-C-T. GRCh37 (hg19) VCF-style: chr9-101570212-C-T.
Other names: short protein forms R78W.
Identifiers: ClinVar variation 2451768 (VCV002451768.3), dbSNP rs1467453647, ClinGen allele CA374222572.